The following is an entry in ClinVar:

ClinVar aggregate classification (germline): Benign/Likely benign. Review status: criteria provided, multiple submitters, no conflicts (2 of 4 stars). 3 submissions from 3 submitters: Benign (1); Likely benign (2). Last evaluated 2025-12-08.

Conditions:
Renal cell carcinoma. Identifiers: Orphanet 217071, MedGen C0007134, MeSH D002292, MONDO:0005086, HP:0005584.
Papillary renal cell carcinoma type 1 (RCCP1). Also called: RENAL CELL CARCINOMA, PAPILLARY, 1, SOMATIC; Renal adenocarcinoma; Renal cell carcinoma 1; Renal cell carcinoma, somatic. Identifiers: Orphanet 47044, MedGen C1336839, OMIM 605074, HP:0011797.
Hereditary cancer-predisposing syndrome. Also called: Hereditary Cancer Syndrome; Hereditary neoplastic syndrome; Tumor predisposition; Neoplastic Syndromes, Hereditary. Identifiers: Orphanet 140162, MedGen C0027672, MeSH D009386, MONDO:0015356.

Allele frequency attached by ClinVar (database versions not stated): TOPMed 0.00001.

Submissions (3):

Labcorp Genetics (formerly Invitae), Labcorp
Classification: Likely benign for Renal cell carcinoma. Last evaluated: 2025-12-08. Review status: criteria provided, single submitter. Criteria: Invitae Variant Classification Sherloc (09022015). Collection method: clinical testing. Allele origin: germline.

Myriad Genetics, Inc.
Classification: Benign for Papillary renal cell carcinoma type 1. Last evaluated: 2024-11-08. Review status: criteria provided, single submitter. Criteria: Myriad Autosomal Dominant, Autosomal Recessive and X-Linked Classification Criteria (2023). Collection method: clinical testing. Allele origin: unknown.
Comment: This variant is considered benign. This variant is a silent/synonymous amino acid change and it is not expected to impact splicing.

Ambry Genetics
Classification: Likely benign for Hereditary cancer-predisposing syndrome. Last evaluated: 2022-09-21. Review status: criteria provided, single submitter. Criteria: Ambry Variant Classification Scheme 2023. Collection method: clinical testing. Allele origin: germline.

NM_000245.4(MET):c.1833C>A (p.Thr611=)

Gene: MET (MET proto-oncogene, receptor tyrosine kinase; plus strand). Cytogenetic location: 7q31.2.
Variant type: single nucleotide variant.
Coding change: c.1833C>A on transcript NM_000245.4 (MANE Select); coding-DNA position 1833, C replaced by A.
Protein change: p.Thr611=; no amino-acid change (threonine 611 retained).
Molecular consequence: synonymous variant.
Genome position (GRCh38, 1-based): chr7:116,755,486, C>A. VCF-style: chr7-116755486-C-A. GRCh37 (hg19) VCF-style: chr7-116395540-C-A.
Other names: c.1833C>A, p.Thr611= (NM_001127500.3, NM_001324401.3); c.543C>A, p.Thr181= (NM_001324402.2).
Identifiers: ClinVar variation 1078542 (VCV001078542.12), dbSNP rs924927810, ClinGen allele CA164891728.